The following is an entry in ClinVar:

ClinVar aggregate classification (germline): Uncertain significance. Review status: criteria provided, multiple submitters, no conflicts (2 of 4 stars). 2 submissions from 2 submitters: Uncertain significance (2). Last evaluated 2022-09-16.

Conditions:
Atrial septal defect 3 (ASD3). Identifiers: Orphanet 1478, MedGen C3279790, MONDO:0013567, OMIM 614089.
Sick sinus syndrome 3, susceptibility to (SSS3). Identifiers: Orphanet 166282, MedGen C3279791, MONDO:0013568, OMIM 614090.
Dilated cardiomyopathy 1EE (CMD1EE). Identifiers: Orphanet 154, MedGen C2750466, MONDO:0013198, OMIM 613252.
Hypertrophic cardiomyopathy 14. Identifiers: MedGen C2750467, MONDO:0013197, OMIM 613251.

Submissions (2):

Labcorp Genetics (formerly Invitae), Labcorp
Classification: Uncertain significance for Hypertrophic cardiomyopathy 14. Last evaluated: 2022-09-16. Review status: criteria provided, single submitter. Criteria: Invitae Variant Classification Sherloc (09022015). Collection method: clinical testing. Allele origin: germline.
Comment: Advanced modeling of protein sequence and biophysical properties (such as structural, functional, and spatial information, amino acid conservation, physicochemical variation, residue mobility, and thermodynamic stability) performed at Invitae indicates that this missense variant is not expected to disrupt MYH6 protein function. In summary, the available evidence is currently insufficient to determine the role of this variant in disease. Therefore, it has been classified as a Variant of Uncertain Significance. This variant has not been reported in the literature in individuals affected with MYH6-related conditions. This variant is not present in population databases (gnomAD no frequency). This sequence change replaces alanine, which is neutral and non-polar, with serine, which is neutral and polar, at codon 1563 of the MYH6 protein (p.Ala1563Ser).

Juno Genomics, Hangzhou Juno Genomics, Inc
Classification: Uncertain significance for Sick sinus syndrome 3, susceptibility to; Atrial septal defect 3; Dilated cardiomyopathy 1EE; Hypertrophic cardiomyopathy 14. Review status: criteria provided, single submitter. Criteria: ACMG Guidelines, 2015. Collection method: clinical testing. Allele origin: germline.
Comment: Absent from controls (or at extremely low frequency if recessive) in Genome Aggregation Database.;Missense variant in a gene that has a low rate of benign missense variation.;Multiple lines of computational evidence suggest no impact on gene or gene product.

NM_002471.4(MYH6):c.4687G>T (p.Ala1563Ser)

Genes: MYH6 (myosin heavy chain 6; minus strand), LOC126861896 (BRD4-independent group 4 enhancer GRCh37_chr14:23854904-23856103; plus strand). Cytogenetic location: 14q11.2.
Variant type: single nucleotide variant.
Coding change: c.4687G>T on transcript NM_002471.4 (MANE Select); coding-DNA position 4687, G replaced by T.
Protein change: p.Ala1563Ser; replaces alanine 1563 with serine.
Molecular consequence: missense variant.
Genome position (GRCh38, 1-based): chr14:23,386,587, C>A on the plus strand (G>T on the coding strand, the complement: MYH6 is on the minus strand). VCF-style: chr14-23386587-C-A. GRCh37 (hg19) VCF-style: chr14-23855796-C-A.
Other names: short protein forms A1563S.
Identifiers: ClinVar variation 1719589 (VCV001719589.8), dbSNP rs755230697, ClinGen allele CA388993087.